The following is an entry in ClinVar:

NM_000392.5(ABCC2):c.4018A>G (p.Lys1340Glu)

Gene: ABCC2 (ATP binding cassette subfamily C member 2; plus strand). Cytogenetic location: 10q24.2.
Variant type: single nucleotide variant.
Coding change: c.4018A>G on transcript NM_000392.5 (MANE Select); coding-DNA position 4018, A replaced by G.
Protein change: p.Lys1340Glu; replaces lysine 1340 with glutamic acid.
Molecular consequence: missense variant.
Genome position (GRCh38, 1-based): chr10:99,845,654, A>G. VCF-style: chr10-99845654-A-G. GRCh37 (hg19) VCF-style: chr10-101605411-A-G.
Other names: short protein forms K1340E.
Identifiers: ClinVar variation 2629788 (VCV002629788.1), dbSNP rs2493051104, ClinGen allele CA378127900.

ClinVar aggregate classification (germline): Uncertain significance (1 of 4 stars; one submission).

Conditions:
ABCC2-related disorder. Also called: ABCC2-related condition.

Submission:

PreventionGenetics, part of Exact Sciences
Classification: Uncertain significance for ABCC2-related condition. Last evaluated: 2023-01-19. Review status: criteria provided, single submitter. Criteria: ACMG Guidelines, 2015. Collection method: clinical testing. Allele origin: germline.
Comment: The ABCC2 c.4018A>G variant is predicted to result in the amino acid substitution p.Lys1340Glu. To our knowledge, this variant has not been reported in the literature or in a large population database, indicating this variant is rare. At this time, the clinical significance of this variant is uncertain due to the absence of conclusive functional and genetic evidence.